The following is an entry in ClinVar:

ClinVar aggregate classification (germline): Pathogenic (1 of 4 stars; one submission).

Submission:

Labcorp Genetics (formerly Invitae), Labcorp
Classification: Pathogenic. Last evaluated: 2022-06-28. Review status: criteria provided, single submitter. Criteria: Invitae Variant Classification Sherloc (09022015). Collection method: clinical testing. Allele origin: germline.
Comment: This sequence change creates a premature translational stop signal (p.Lys133*) in the FSHR gene. It is expected to result in an absent or disrupted protein product. Loss-of-function variants in FSHR are known to be pathogenic (PMID: 29157895, 30691934). This variant is present in population databases (rs777165286, gnomAD 0.002%). This variant has not been reported in the literature in individuals affected with FSHR-related conditions. Algorithms developed to predict the effect of sequence changes on RNA splicing suggest that this variant is not likely to affect RNA splicing. For these reasons, this variant has been classified as Pathogenic.

Literature cited by the submitters: PubMed 29157895; PubMed 30691934.

NM_000145.4(FSHR):c.396dup (p.Lys133Ter)

Gene: FSHR (follicle stimulating hormone receptor; minus strand). Cytogenetic location: 2p16.3.
Variant type: Duplication.
Coding change: c.396dup on transcript NM_000145.4 (MANE Select); coding-DNA position 396, one base duplicated (T; older notation c.396dupT).
Protein change: p.Lys133Ter; replaces lysine 133 with a stop codon.
Molecular consequence: nonsense.
Genome position (GRCh38, 1-based): chr2:48,990,616, A duplicated on the plus strand (T on the coding strand, the reverse complement: FSHR is on the minus strand); the first of 2 consecutive A bases (chr2:48,990,616-48,990,617); duplicating either gives the same sequence. VCF-style (leftmost placement, unchanged base first): chr2-48990615-T-TA. GRCh37 (hg19) VCF-style: chr2-49217754-T-TA.
Other names: c.396dup, p.Lys133Ter (NM_181446.3); short protein forms K133*.
Identifiers: ClinVar variation 2071906 (VCV002071906.1), dbSNP rs777165286, ClinGen allele CA1653964.